The following is an entry in ClinVar:

ClinVar aggregate classification (germline): Uncertain significance (1 of 4 stars; one submission).

Conditions:
Malignant hyperthermia, susceptibility to, 1 (MHS1). Also called: RYR1-Related Malignant Hyperthermia Susceptibility; Malignant hyperthermia suceptibility 1; Anesthesia related hyperthermia; Malignant hyperpyrexia; Fulminating hyperpyrexia; Pharmacogenic myopathy. Identifiers: Orphanet 423, MedGen C2930980, MONDO:0007783, OMIM 145600.

gnomAD v4.1: 2 of 1,613,996 alleles (0.00012%); highest among the groups gnomAD compares: Non-Finnish European, 0.00017%; no homozygotes.

Submission:

Color Diagnostics, LLC DBA Color Health
Classification: Uncertain significance for Malignant hyperthermia, susceptibility to, 1. Last evaluated: 2025-06-29. Review status: criteria provided, single submitter. Criteria: ACMG Guidelines, 2015. Collection method: clinical testing. Allele origin: germline.
Comment: This missense variant replaces threonine with lysine at codon 5005 of the RYR1 protein. Computational prediction suggests that this variant may have deleterious impact on protein structure and function. To our knowledge, functional studies have not been reported for this variant. This variant has not been reported in individuals affected with RYR1-related disorders in the literature. This variant has not been identified in the general population by the Genome Aggregation Database (gnomAD). The available evidence is insufficient to determine the role of this variant in disease conclusively. Therefore, this variant is classified as a Variant of Uncertain Significance.

NM_000540.3(RYR1):c.15014C>A (p.Thr5005Lys)

Gene: RYR1 (ryanodine receptor 1; plus strand). Cytogenetic location: 19q13.2.
Variant type: single nucleotide variant.
Coding change: c.15014C>A on transcript NM_000540.3 (MANE Select); coding-DNA position 15014, C replaced by A.
Protein change: p.Thr5005Lys; replaces threonine 5005 with lysine.
Molecular consequence: missense variant.
Genome position (GRCh38, 1-based): chr19:38,586,569, C>A. VCF-style: chr19-38586569-C-A. GRCh37 (hg19) VCF-style: chr19-39077209-C-A.
Other names: c.14999C>A, p.Thr5000Lys (NM_001042723.2); short protein forms T5000K, T5005K.
Identifiers: ClinVar variation 4756862 (VCV004756862.1).
Genomic context (GRCh38, chr19:38,586,569, plus strand): 5'-GTCCTCTCACCCTCAGGTTTTTCCTGATGTATTTGATAAACAAGGATGAGACAGAACACA[C>A]GGGTCAGGTAAGGGGGTGTTAATGGGAGGACAGTGGGCAGGACGTGGAGCCCTTTAACAT-3'
Protein context (NP_000531.2, residues 4995-5015): YLINKDETEH[Thr5005Lys]GQESYVWKMY